The following is an entry in ClinVar:

NM_001673.5(ASNS):c.1434G>A (p.Lys478=)

Genes: ASNS (asparagine synthetase (glutamine-hydrolyzing); minus strand), CZ1P-ASNS (CZ1P-ASNS readthrough; minus strand). Cytogenetic location: 7q21.3.
Variant type: single nucleotide variant.
Coding change: c.1434G>A on transcript NM_001673.5 (MANE Select); coding-DNA position 1434, G replaced by A.
Protein change: p.Lys478=; no amino-acid change (lysine 478 retained).
Molecular consequence: synonymous variant. On other transcripts: non-coding transcript variant (1).
Genome position (GRCh38, 1-based): chr7:97,853,102, C>T on the plus strand (G>A on the coding strand, the complement: ASNS is on the minus strand). VCF-style: chr7-97853102-C-T. GRCh37 (hg19) VCF-style: chr7-97482414-C-T.
Other names: c.1371G>A, p.Lys457= (NM_001178075.2); c.1185G>A, p.Lys395= (NM_001178076.2, NM_001178077.1); c.1434G>A, p.Lys478= (NM_001352496.2, NM_133436.3, NM_183356.4).
Identifiers: ClinVar variation 3015692 (VCV003015692.13), dbSNP rs1224112605, ClinGen allele CA456634140.

ClinVar aggregate classification (germline): Likely benign. Review status: criteria provided, multiple submitters, no conflicts (2 of 4 stars). 2 submissions from 2 submitters: Likely benign (2). Last evaluated 2025-06-01.

Allele frequency attached by ClinVar (database versions not stated): gnomAD exomes 0.00001.
gnomAD v4.1: 3 of 1,600,310 alleles (0.00019%); highest among the groups gnomAD compares: Admixed American, 0.0053%; no homozygotes.

Submissions (2):

CeGaT Center for Human Genetics Tuebingen
Classification: Likely benign. Last evaluated: 2025-06-01. Review status: criteria provided, single submitter. Criteria: CeGaT Center For Human Genetics Tuebingen Variant Classification Criteria Version 2. Collection method: clinical testing. Allele origin: germline. Affected: yes. Observed: 1 variant allele.
Comment: ASNS: BP4, BP7

Labcorp Genetics (formerly Invitae), Labcorp
Classification: Likely benign. Last evaluated: 2024-12-28. Review status: criteria provided, single submitter. Criteria: Invitae Variant Classification Sherloc (09022015). Collection method: clinical testing. Allele origin: germline.